The following is an entry in ClinVar:

NM_000434.4(NEU1):c.-8G>T

Gene: NEU1 (neuraminidase 1; minus strand). Cytogenetic location: 6p21.33.
Variant type: single nucleotide variant.
Coding change: c.-8G>T on transcript NM_000434.4 (MANE Select); 8 bases upstream of the start codon, G replaced by T.
Molecular consequence: 5 prime UTR variant.
Genome position (GRCh38, 1-based): chr6:31,862,784, C>A on the plus strand (G>T on the coding strand, the complement: NEU1 is on the minus strand). VCF-style: chr6-31862784-C-A. GRCh37 (hg19) VCF-style: chr6-31830561-C-A.
Identifiers: ClinVar variation 3054013 (VCV003054013.2), dbSNP rs768665574, ClinGen allele CA3725125.
Genomic context (GRCh38, chr6:31,862,784, plus strand): 5'-CGCGGCCCCCAGCGTCTGTCCGGGAGCGCCGTGCTGGGTCGCTCCCCAGTCATCTCTCCC[C>A]GCAGCTGCCGCGACCCTGGCAGCTAGACTCCACAGAGTCGGGAGTCAGCTGACCCGGACC-3'

ClinVar aggregate classification (germline): Likely benign (0 of 4 stars; one submission).

Conditions:
NEU1-related disorder. Also called: NEU1-related condition.

Allele frequency attached by ClinVar (database versions not stated): ExAC 0.00003.

Submission:

PreventionGenetics, part of Exact Sciences
Classification: Likely benign for NEU1-related condition. Last evaluated: 2021-07-21. Review status: no assertion criteria provided. Collection method: clinical testing. Allele origin: germline.
Comment: This variant is classified as likely benign based on ACMG/AMP sequence variant interpretation guidelines (Richards et al. 2015 PMID: 25741868, with internal and published modifications).